The following is an entry in ClinVar:

NM_017617.5(NOTCH1):c.5176G>A (p.Val1726Met)

Gene: NOTCH1 (notch receptor 1; minus strand). Cytogenetic location: 9q34.3.
Variant type: single nucleotide variant.
Coding change: c.5176G>A on transcript NM_017617.5 (MANE Select); coding-DNA position 5176, G replaced by A.
Protein change: p.Val1726Met; replaces valine 1726 with methionine.
Molecular consequence: missense variant.
Genome position (GRCh38, 1-based): chr9:136,502,480, C>T on the plus strand (G>A on the coding strand, the complement: NOTCH1 is on the minus strand). VCF-style: chr9-136502480-C-T. GRCh37 (hg19) VCF-style: chr9-139396932-C-T.
Other names: c.5176G>A (NM_017617.3); short protein forms V1726M.
Identifiers: ClinVar variation 2722560 (VCV002722560.5), dbSNP rs995707317, ClinGen allele CA201641817.

ClinVar aggregate classification (germline): Conflicting classifications of pathogenicity. Review status: criteria provided, conflicting classifications (1 of 4 stars). 3 submissions from 3 submitters: Uncertain significance (2); Likely benign (1). Last evaluated 2025-07-13.

Conditions:
Familial thoracic aortic aneurysm and aortic dissection (TAAD). Also called: Thoracic aortic aneurysms and dissections. Identifiers: Orphanet 91387, MedGen C4707243, MONDO:0019625.
Adams-Oliver syndrome 5 (AOS5). Identifiers: Orphanet 974, MedGen C4014970, MONDO:0014459, OMIM 616028.

Allele frequency attached by ClinVar (database versions not stated): gnomAD exomes 0.00002; TOPMed 0.00002.
gnomAD v4.1: 29 of 1,564,538 alleles (0.0019%); highest among the groups gnomAD compares: Non-Finnish European, 0.0022%; no homozygotes.

Submissions (3):

Labcorp Genetics (formerly Invitae), Labcorp
Classification: Uncertain significance for Adams-Oliver syndrome 5. Last evaluated: 2025-07-13. Review status: criteria provided, single submitter. Criteria: Invitae Variant Classification Sherloc (09022015). Collection method: clinical testing. Allele origin: germline.
Comment: This sequence change replaces valine, which is neutral and non-polar, with methionine, which is neutral and non-polar, at codon 1726 of the NOTCH1 protein (p.Val1726Met). The frequency data for this variant in the population databases is considered unreliable, as metrics indicate poor data quality at this position in the gnomAD database. This variant has not been reported in the literature in individuals affected with NOTCH1-related conditions. ClinVar contains an entry for this variant (Variation ID: 2722560). Invitae Evidence Modeling of protein sequence and biophysical properties (such as structural, functional, and spatial information, amino acid conservation, physicochemical variation, residue mobility, and thermodynamic stability) indicates that this missense variant is not expected to disrupt NOTCH1 protein function with a negative predictive value of 80%. In summary, the available evidence is currently insufficient to determine the role of this variant in disease. Therefore, it has been classified as a Variant of Uncertain Significance.

Ambry Genetics
Classification: Likely benign for Familial thoracic aortic aneurysm and aortic dissection. Last evaluated: 2025-06-09. Review status: criteria provided, single submitter. Criteria: Ambry Variant Classification Scheme 2023. Collection method: clinical testing. Allele origin: germline.

Blueprint Genetics
Classification: Uncertain significance. Last evaluated: 2019-11-13. Review status: criteria provided, single submitter. Criteria: ACMG Guidelines, 2015. Collection method: clinical testing. Allele origin: germline.